The following is an entry in ClinVar:

NM_001323289.2(CDKL5):c.800A>G (p.Asn267Ser)

Gene: CDKL5 (cyclin dependent kinase like 5; plus strand). Cytogenetic location: Xp22.13.
Variant type: single nucleotide variant.
Coding change: c.800A>G on transcript NM_001323289.2 (MANE Select); coding-DNA position 800, A replaced by G.
Protein change: p.Asn267Ser; replaces asparagine 267 with serine.
Molecular consequence: missense variant.
Genome position (GRCh38, 1-based): chrX:18,595,403, A>G. VCF-style: chrX-18595403-A-G. GRCh37 (hg19) VCF-style: chrX-18613523-A-G.
Other names: c.800A>G, p.Asn267Ser (NM_001037343.2, NM_003159.3); short protein forms N267S.
Identifiers: ClinVar variation 193651 (VCV000193651.16), dbSNP rs794726990, ClinGen allele CA239229.

ClinVar aggregate classification (germline): Uncertain significance. Review status: criteria provided, multiple submitters, no conflicts (2 of 4 stars). 2 submissions from 2 submitters: Uncertain significance (2). Last evaluated 2025-03-20.

Conditions:
Developmental and epileptic encephalopathy, 2 (DEE2). Also called: INFANTILE SPASM SYNDROME, X-LINKED 2; CDKL5 deficiency disorder. Identifiers: Orphanet 1934, Orphanet 3451, Orphanet 505652, MedGen C4750718, MONDO:0010396, OMIM 300672.
Angelman syndrome-like. Identifiers: MedGen CN128785.

Allele frequency attached by ClinVar (database versions not stated): gnomAD exomes below 0.00001; TOPMed below 0.00001.
gnomAD v4.1: 1 of 1,186,579 alleles (0.000084%); highest among the groups gnomAD compares: Non-Finnish European, 0.00011%; no homozygotes.

Submissions (2):

Labcorp Genetics (formerly Invitae), Labcorp
Classification: Uncertain significance for Developmental and epileptic encephalopathy, 2; Angelman syndrome-like. Last evaluated: 2025-03-20. Review status: criteria provided, single submitter. Criteria: Invitae Variant Classification Sherloc (09022015). Collection method: clinical testing. Allele origin: germline.
Comment: This sequence change replaces asparagine, which is neutral and polar, with serine, which is neutral and polar, at codon 267 of the CDKL5 protein (p.Asn267Ser). This variant is not present in population databases (gnomAD no frequency). This variant has not been reported in the literature in individuals affected with CDKL5-related conditions. ClinVar contains an entry for this variant (Variation ID: 193651). Invitae Evidence Modeling of protein sequence and biophysical properties (such as structural, functional, and spatial information, amino acid conservation, physicochemical variation, residue mobility, and thermodynamic stability) indicates that this missense variant is not expected to disrupt CDKL5 protein function with a negative predictive value of 95%. In summary, the available evidence is currently insufficient to determine the role of this variant in disease. Therefore, it has been classified as a Variant of Uncertain Significance.

Eurofins Ntd Llc (ga)
Classification: Uncertain significance. Last evaluated: 2014-06-23. Review status: criteria provided, single submitter. Criteria: EGL Classification Definitions 2015. Collection method: clinical testing. Allele origin: germline. Observed: 1 variant allele, 1 hemizygote.